The following is an entry in ClinVar:

NC_000023.10:g.(?_41598617)_(41604874_?)del

Gene: CASK (calcium/calmodulin dependent serine protein kinase; minus strand). Cytogenetic location: Xp11.4.
Variant type: Deletion.
Identifiers: ClinVar variation 2424728 (VCV002424728.4).

ClinVar aggregate classification (germline): Pathogenic (1 of 4 stars; one submission).

Conditions:
Intellectual disability, CASK-related, X-linked. Identifiers: MedGen CN043158.

Submission:

Labcorp Genetics (formerly Invitae), Labcorp
Classification: Pathogenic for Intellectual disability, CASK-related, X-linked. Last evaluated: 2022-11-15. Review status: criteria provided, single submitter. Criteria: Invitae Variant Classification Sherloc (09022015). Collection method: clinical testing. Allele origin: germline.
Comment: For these reasons, this variant has been classified as Pathogenic. This variant has not been reported in the literature in individuals affected with CASK-related conditions. This variant is a gross deletion of the genomic region encompassing exon(s) 4-5 of the CASK gene. This deletion is out-of-frame, and is expected to create a premature termination codon and result in an absent or disrupted protein product. Loss-of-function variants in CASK are known to be pathogenic (PMID: 19165920, 20029458, 21954287, 22452838, 22709267).

Literature cited by the submitters: PubMed 19165920; PubMed 20029458; PubMed 21954287; PubMed 22452838; PubMed 22709267.